The following is an entry in ClinVar:

ClinVar aggregate classification (germline): Pathogenic (1 of 4 stars; one submission).

Conditions:
Congenital muscular hypertrophy-cerebral syndrome (CDLS2). Also called: Cornelia de Lange syndrome 2; SMC1A-Related Cornelia de Lange Syndrome. Identifiers: Orphanet 199, MedGen C1802395, MONDO:0010370, OMIM 300590.

Submission:

Labcorp Genetics (formerly Invitae), Labcorp
Classification: Pathogenic for Congenital muscular hypertrophy-cerebral syndrome. Last evaluated: 2020-08-20. Review status: criteria provided, single submitter. Criteria: Invitae Variant Classification Sherloc (09022015). Collection method: clinical testing. Allele origin: germline.
Comment: For these reasons, this variant has been classified as Pathogenic. Loss-of-function variants in SMC1A are known to be pathogenic (PMID: 26386245, 27334371, 28166369, 28548707, 31334757). This variant has not been reported in the literature in individuals with SMC1A-related conditions. This variant is not present in population databases (ExAC no frequency). This sequence change creates a premature translational stop signal (p.Leu4*) in the SMC1A gene. It is expected to result in an absent or disrupted protein product.

Literature cited by the submitters: PubMed 26386245; PubMed 27334371; PubMed 28166369; PubMed 28548707; PubMed 31334757.

NM_006306.4(SMC1A):c.10del (p.Phe3_Leu4insTer)

Gene: SMC1A (structural maintenance of chromosomes 1A; minus strand). Cytogenetic location: Xp11.22.
Variant type: Deletion.
Coding change: c.10del on transcript NM_006306.4 (MANE Select); coding-DNA position 10, one base deleted (C; older notation c.10delC).
Protein change: p.Phe3_Leu4insTer.
Molecular consequence: nonsense. On other transcripts: 5 prime UTR variant (1).
Genome position (GRCh38, 1-based): chrX:53,422,591, G deleted on the plus strand (C on the coding strand, the reverse complement: SMC1A is on the minus strand); the first of 2 consecutive G bases (chrX:53,422,591-53,422,592); deleting either gives the same sequence. VCF-style (leftmost placement, unchanged base first): chrX-53422590-AG-A. GRCh37 (hg19) VCF-style: chrX-53449539-AG-A.
Other names: c.-203del (NM_001281463.1).
Identifiers: ClinVar variation 1069931 (VCV001069931.7), dbSNP rs2146614137, ClinGen allele CA2499226794.
Genomic context (GRCh38, chrX:53,422,590, plus strand): 5'-AATGGTCCGATAATCTGTCGACCCTTGTACGACTTAAAGTTCTCAATCTCAATCAGTTTC[AG>A]GAACCCCATGACGGCCGCGGCGCCGGCGGCAGTAGGACAGGCCGCGCCGTACGCCCGAGA-3'